The following is an entry in ClinVar:

ClinVar aggregate classification (germline): Uncertain significance (1 of 4 stars; one submission).

Allele frequency attached by ClinVar (database versions not stated): TOPMed below 0.00001; gnomAD 0.00001.
gnomAD v4.1: 6 of 1,328,302 alleles (0.00045%); highest among the groups gnomAD compares: South Asian, 0.0065%; no homozygotes.

Submission:

Labcorp Genetics (formerly Invitae), Labcorp
Classification: Uncertain significance. Last evaluated: 2024-06-24. Review status: criteria provided, single submitter. Criteria: Invitae Variant Classification Sherloc (09022015). Collection method: clinical testing. Allele origin: germline.
Comment: This sequence change replaces leucine, which is neutral and non-polar, with valine, which is neutral and non-polar, at codon 203 of the IRF2BP2 protein (p.Leu203Val). This variant is not present in population databases (gnomAD no frequency). This variant has not been reported in the literature in individuals affected with IRF2BP2-related conditions. An algorithm developed to predict the effect of missense changes on protein structure and function (PolyPhen-2) suggests that this variant is likely to be disruptive. In summary, the available evidence is currently insufficient to determine the role of this variant in disease. Therefore, it has been classified as a Variant of Uncertain Significance.

NM_182972.3(IRF2BP2):c.607C>G (p.Leu203Val)

Genes: IRF2BP2 (interferon regulatory factor 2 binding protein 2; minus strand), LOC129932811 (ATAC-STARR-seq lymphoblastoid silent region 1976; plus strand). Cytogenetic location: 1q42.3.
Variant type: single nucleotide variant.
Coding change: c.607C>G on transcript NM_182972.3 (MANE Select); coding-DNA position 607, C replaced by G.
Protein change: p.Leu203Val; replaces leucine 203 with valine.
Molecular consequence: missense variant.
Genome position (GRCh38, 1-based): chr1:234,608,888, G>C on the plus strand (C>G on the coding strand, the complement: IRF2BP2 is on the minus strand). VCF-style: chr1-234608888-G-C. GRCh37 (hg19) VCF-style: chr1-234744634-G-C.
Other names: c.607C>G, p.Leu203Val (NM_001077397.1); short protein forms L203V.
Identifiers: ClinVar variation 3003282 (VCV003003282.3), dbSNP rs1453648013, ClinGen allele CA345309370.